The following is an entry in ClinVar:

NM_139276.3(STAT3):c.641G>A (p.Arg214Gln)

Gene: STAT3 (signal transducer and activator of transcription 3; minus strand). Cytogenetic location: 17q21.2.
Variant type: single nucleotide variant.
Coding change: c.641G>A on transcript NM_139276.3 (MANE Select); coding-DNA position 641, G replaced by A.
Protein change: p.Arg214Gln; replaces arginine 214 with glutamine.
Molecular consequence: missense variant.
Genome position (GRCh38, 1-based): chr17:42,337,767, C>T on the plus strand (G>A on the coding strand, the complement: STAT3 is on the minus strand). VCF-style: chr17-42337767-C-T. GRCh37 (hg19) VCF-style: chr17-40489785-C-T.
Other names: c.641G>A, p.Arg214Gln (NM_001369512.1, NM_001369513.1, NM_001369514.1 and 15 more transcripts); c.563G>A, p.Arg188Gln (NM_001384985.1); c.545G>A, p.Arg182Gln (NM_001384989.1); short protein forms R188Q, R182Q, R214Q.
Identifiers: ClinVar variation 1355776 (VCV001355776.6), dbSNP rs2144877780, ClinGen allele CA399593949.

ClinVar aggregate classification (germline): Uncertain significance (1 of 4 stars; one submission).

Conditions:
Hyper-IgE recurrent infection syndrome 1, autosomal dominant. Also called: JOB SYNDROME; Job's Syndrome; STAT3 Hyper IgE Syndrome; Hyper-IgE recurrent infection syndrome 1; HYPER-IgE SYNDROME 1, AUTOSOMAL DOMINANT, WITH RECURRENT INFECTIONS. Identifiers: Orphanet 2314, MedGen C2936739, MONDO:0007818, OMIM 147060.
STAT3 gain of function. Identifiers: MedGen C4288261.

Submission:

Labcorp Genetics (formerly Invitae), Labcorp
Classification: Uncertain significance for STAT3 gain of function; Hyper-IgE recurrent infection syndrome 1, autosomal dominant. Last evaluated: 2021-12-13. Review status: criteria provided, single submitter. Criteria: Invitae Variant Classification Sherloc (09022015). Collection method: clinical testing. Allele origin: germline.
Comment: In summary, the available evidence is currently insufficient to determine the role of this variant in disease. Therefore, it has been classified as a Variant of Uncertain Significance. Advanced modeling of protein sequence and biophysical properties (such as structural, functional, and spatial information, amino acid conservation, physicochemical variation, residue mobility, and thermodynamic stability) performed at Invitae indicates that this missense variant is expected to disrupt STAT3 protein function. This variant has not been reported in the literature in individuals affected with STAT3-related conditions. This variant is not present in population databases (gnomAD no frequency). This sequence change replaces arginine, which is basic and polar, with glutamine, which is neutral and polar, at codon 214 of the STAT3 protein (p.Arg214Gln).